The following is an entry in ClinVar:

ClinVar aggregate classification (germline): Uncertain significance (1 of 4 stars; one submission).

Allele frequency attached by ClinVar (database versions not stated): gnomAD exomes below 0.00001.
gnomAD v4.1: 1 of 1,608,256 alleles (0.000062%); highest among the groups gnomAD compares: Non-Finnish European, 0.000085%; no homozygotes.

Submission:

Labcorp Genetics (formerly Invitae), Labcorp
Classification: Uncertain significance. Last evaluated: 2022-02-19. Review status: criteria provided, single submitter. Criteria: Invitae Variant Classification Sherloc (09022015). Collection method: clinical testing. Allele origin: germline.
Comment: This variant is not present in population databases (gnomAD no frequency). This sequence change replaces alanine, which is neutral and non-polar, with valine, which is neutral and non-polar, at codon 62 of the NAA35 protein (p.Ala62Val). This variant has not been reported in the literature in individuals affected with NAA35-related conditions. In summary, the available evidence is currently insufficient to determine the role of this variant in disease. Therefore, it has been classified as a Variant of Uncertain Significance. Algorithms developed to predict the effect of missense changes on protein structure and function are either unavailable or do not agree on the potential impact of this missense change (SIFT: "Tolerated"; PolyPhen-2: "Probably Damaging"; Align-GVGD: "Class C0").

NM_024635.4(NAA35):c.185C>T (p.Ala62Val)

Gene: NAA35 (N-alpha-acetyltransferase 35, NatC auxiliary subunit; plus strand). Cytogenetic location: 9q21.33.
Variant type: single nucleotide variant.
Coding change: c.185C>T on transcript NM_024635.4 (MANE Select); coding-DNA position 185, C replaced by T.
Protein change: p.Ala62Val; replaces alanine 62 with valine.
Molecular consequence: missense variant.
Genome position (GRCh38, 1-based): chr9:85,958,498, C>T. VCF-style: chr9-85958498-C-T. GRCh37 (hg19) VCF-style: chr9-88573413-C-T.
Other names: c.185C>T, p.Ala62Val (NM_001321881.2, NM_001321882.2); short protein forms A62V.
Identifiers: ClinVar variation 2099574 (VCV002099574.4), dbSNP rs2537692367, ClinGen allele CA374012617.